The following is an entry in ClinVar:

NM_012470.4(TNPO3):c.108G>C (p.Glu36Asp)

Genes: TNPO3 (transportin 3; minus strand), LOC129999289 (ATAC-STARR-seq lymphoblastoid active region 26616; plus strand). Cytogenetic location: 7q32.1.
Variant type: single nucleotide variant.
Coding change: c.108G>C on transcript NM_012470.4 (MANE Select); coding-DNA position 108, G replaced by C.
Protein change: p.Glu36Asp; replaces glutamic acid 36 with aspartic acid.
Molecular consequence: missense variant. On other transcripts: non-coding transcript variant (18).
Genome position (GRCh38, 1-based): chr7:129,054,663, C>G on the plus strand (G>C on the coding strand, the complement: TNPO3 is on the minus strand). VCF-style: chr7-129054663-C-G. GRCh37 (hg19) VCF-style: chr7-128694717-C-G.
Other names: c.108G>C, p.Glu36Asp (NM_001191028.3, NM_001382216.1, NM_001382217.1 and 6 more transcripts); short protein forms E36D.
Identifiers: ClinVar variation 4538874 (VCV004538874.1).

ClinVar aggregate classification (germline): Uncertain significance (1 of 4 stars; one submission).

Submission:

GeneDx
Classification: Uncertain significance. Last evaluated: 2025-06-21. Review status: criteria provided, single submitter. Criteria: GeneDx Variant Classification Process June 2021. Collection method: clinical testing. Allele origin: germline. Affected: yes.
Comment: Not observed at significant frequency in large population cohorts (gnomAD); In silico analysis suggests that this missense variant does not alter protein structure/function; Has not been previously published as pathogenic or benign to our knowledge